The following is an entry in ClinVar:

ClinVar aggregate classification (germline): Uncertain significance. Review status: criteria provided, multiple submitters, no conflicts (2 of 4 stars). 4 submissions from 4 submitters: Uncertain significance (4). Last evaluated 2025-08-20.

Conditions:
Maturity-onset diabetes of the young type 6 (MODY6). Identifiers: Orphanet 552, MedGen C1853371, MONDO:0011668, OMIM 606394.
Type 2 diabetes mellitus. Also called: Type II diabetes mellitus. Identifiers: MedGen C0011860, MeSH D003924, MONDO:0005148, OMIM 125853, HP:0005978.

Allele frequency attached by ClinVar (database versions not stated): gnomAD 0.00001; TOPMed 0.00001.

Submissions (4):

Labcorp Genetics (formerly Invitae), Labcorp
Classification: Uncertain significance. Last evaluated: 2025-08-20. Review status: criteria provided, single submitter. Criteria: Invitae Variant Classification Sherloc (09022015). Collection method: clinical testing. Allele origin: germline.
Comment: This sequence change replaces alanine, which is neutral and non-polar, with aspartic acid, which is acidic and polar, at codon 352 of the NEUROD1 protein (p.Ala352Asp). This variant is present in population databases (rs774325551, gnomAD 0.002%). This variant has not been reported in the literature in individuals affected with NEUROD1-related conditions. ClinVar contains an entry for this variant (Variation ID: 896246). Invitae Evidence Modeling of protein sequence and biophysical properties (such as structural, functional, and spatial information, amino acid conservation, physicochemical variation, residue mobility, and thermodynamic stability) has been performed for this missense variant. However, the output from this modeling did not meet the statistical confidence thresholds required to predict the impact of this variant on NEUROD1 protein function. In summary, the available evidence is currently insufficient to determine the role of this variant in disease. Therefore, it has been classified as a Variant of Uncertain Significance.

Revvity Omics, Revvity
Classification: Uncertain significance for Maturity-onset diabetes of the young type 6. Last evaluated: 2023-10-10. Review status: criteria provided, single submitter. Criteria: ACMG Guidelines, 2015. Collection method: clinical testing. Allele origin: germline.

Fulgent Genetics
Classification: Uncertain significance for Type 2 diabetes mellitus; Maturity-onset diabetes of the young type 6. Last evaluated: 2021-10-19. Review status: criteria provided, single submitter. Criteria: ACMG Guidelines, 2015. Collection method: clinical testing. Allele origin: unknown.

Illumina Laboratory Services, Illumina
Classification: Uncertain significance for Maturity-onset diabetes of the young type 6. Last evaluated: 2018-01-13. Review status: criteria provided, single submitter. Criteria: ICSL Variant Classification Criteria 13 December 2019. Collection method: clinical testing. Allele origin: germline.

NM_002500.5(NEUROD1):c.1055C>A (p.Ala352Asp)

Gene: NEUROD1 (neuronal differentiation 1; minus strand). Cytogenetic location: 2q31.3.
Variant type: single nucleotide variant.
Coding change: c.1055C>A on transcript NM_002500.5 (MANE Select); coding-DNA position 1055, C replaced by A.
Protein change: p.Ala352Asp; replaces alanine 352 with aspartic acid.
Molecular consequence: missense variant.
Genome position (GRCh38, 1-based): chr2:181,677,806, G>T on the plus strand (C>A on the coding strand, the complement: NEUROD1 is on the minus strand). VCF-style: chr2-181677806-G-T. GRCh37 (hg19) VCF-style: chr2-182542533-G-T.
Other names: short protein forms A352D.
Identifiers: ClinVar variation 896246 (VCV000896246.17), dbSNP rs774325551, ClinGen allele CA2011005.